The following is an entry in ClinVar:

NM_001371928.1(AHDC1):c.3155C>T (p.Thr1052Met)

Gene: AHDC1 (AT-hook DNA binding motif containing 1; minus strand). Cytogenetic location: 1p36.11.
Variant type: single nucleotide variant.
Coding change: c.3155C>T on transcript NM_001371928.1 (MANE Select); coding-DNA position 3155, C replaced by T.
Protein change: p.Thr1052Met; replaces threonine 1052 with methionine.
Molecular consequence: missense variant.
Genome position (GRCh38, 1-based): chr1:27,548,961, G>A on the plus strand (C>T on the coding strand, the complement: AHDC1 is on the minus strand). VCF-style: chr1-27548961-G-A. GRCh37 (hg19) VCF-style: chr1-27875472-G-A.
Other names: c.3155C>T, p.Thr1052Met (NM_001029882.3); short protein forms T1052M.
Identifiers: ClinVar variation 1030031 (VCV001030031.5), dbSNP rs1444728315, ClinGen allele CA339228084.
Genomic context (GRCh38, chr1:27,548,961, plus strand): 5'-TTGGGTACCATGTAGCCACCGGGCGAGACTGTGCTGGCCCGGCTGTCACAGCGCAGGGGC[G>A]TGGGGGCTGAACCAGAGAAGGGGGCCCCCTCAGAGCTGCTGAAGAAGGAGGCCTTGCTTG-3'
Protein context (NP_001358857.1, residues 1042-1062): EGAPFSGSAP[Thr1052Met]PLRCDSRAST

ClinVar aggregate classification (germline): Uncertain significance. Review status: criteria provided, multiple submitters, no conflicts (2 of 4 stars). 2 submissions from 2 submitters: Uncertain significance (2). Last evaluated 2025-08-10.

Conditions:
Inborn genetic diseases. Identifiers: MedGen C0950123, MeSH D030342.
AHDC1-related intellectual disability - obstructive sleep apnea - mild dysmorphism syndrome. Also called: Xia-Gibbs syndrome. Identifiers: Orphanet 412069, MedGen C4014419, MONDO:0014358, OMIM 615829.

Allele frequency attached by ClinVar (database versions not stated): gnomAD 0.00001; TOPMed 0.00001; gnomAD exomes 0.00002.
gnomAD v4.1: 38 of 1,572,546 alleles (0.0024%); highest among the groups gnomAD compares: Non-Finnish European, 0.0026%; no homozygotes.

Submissions (2):

Ambry Genetics
Classification: Uncertain significance for Inborn genetic diseases. Last evaluated: 2025-08-10. Review status: criteria provided, single submitter. Criteria: Ambry Variant Classification Scheme 2023. Collection method: clinical testing. Allele origin: germline.

Baylor Genetics
Classification: Uncertain significance for AHDC1-related intellectual disability - obstructive sleep apnea - mild dysmorphism syndrome. Last evaluated: 2019-03-18. Review status: criteria provided, single submitter. Criteria: ACMG Guidelines, 2015. Collection method: clinical testing. Allele origin: maternal. Affected: yes.
Comment: This variant was determined to be of uncertain significance according to ACMG Guidelines, 2015 [PMID:25741868].